The following is an entry in ClinVar:

ClinVar aggregate classification (germline): Uncertain significance (1 of 4 stars; one submission).

Conditions:
Immunodeficiency 51 (IMD51). Also called: CANDIDIASIS, FAMILIAL, 5. Identifiers: Orphanet 1334, MedGen C4310803, MONDO:0013500, OMIM 613953.

Allele frequency attached by ClinVar (database versions not stated): gnomAD exomes below 0.00001.
gnomAD v4.1: 3 of 1,608,010 alleles (0.00019%); highest among the groups gnomAD compares: Non-Finnish European, 0.00025%; no homozygotes.

Submission:

Labcorp Genetics (formerly Invitae), Labcorp
Classification: Uncertain significance for Immunodeficiency 51. Last evaluated: 2022-07-06. Review status: criteria provided, single submitter. Criteria: Invitae Variant Classification Sherloc (09022015). Collection method: clinical testing. Allele origin: germline.
Comment: In summary, the available evidence is currently insufficient to determine the role of this variant in disease. Therefore, it has been classified as a Variant of Uncertain Significance. Algorithms developed to predict the effect of sequence changes on RNA splicing suggest that this variant may create or strengthen a splice site. Algorithms developed to predict the effect of missense changes on protein structure and function are either unavailable or do not agree on the potential impact of this missense change (SIFT: "Tolerated"; PolyPhen-2: "Probably Damaging"; Align-GVGD: "Class C0"). ClinVar contains an entry for this variant (Variation ID: 1370029). This variant has not been reported in the literature in individuals affected with IL17RA-related conditions. This variant is not present in population databases (gnomAD no frequency). This sequence change replaces methionine, which is neutral and non-polar, with valine, which is neutral and non-polar, at codon 541 of the IL17RA protein (p.Met541Val).

NM_014339.7(IL17RA):c.1621A>G (p.Met541Val)

Gene: IL17RA (interleukin 17 receptor A; plus strand). Cytogenetic location: 22q11.1.
Variant type: single nucleotide variant.
Coding change: c.1621A>G on transcript NM_014339.7 (MANE Select); coding-DNA position 1621, A replaced by G.
Protein change: p.Met541Val; replaces methionine 541 with valine.
Molecular consequence: missense variant.
Genome position (GRCh38, 1-based): chr22:17,108,840, A>G. VCF-style: chr22-17108840-A-G. GRCh37 (hg19) VCF-style: chr22-17589730-A-G.
Other names: c.1519A>G, p.Met507Val (NM_001289905.2); short protein forms M507V, M541V.
Identifiers: ClinVar variation 1370029 (VCV001370029.6), dbSNP rs2123811788, ClinGen allele CA410218064.